The following is an entry in ClinVar:

NM_178425.4(HDAC9):c.2286C>T (p.Ile762=)

Gene: HDAC9 (histone deacetylase 9; plus strand). Cytogenetic location: 7p21.1.
Variant type: single nucleotide variant.
Coding change: c.2286C>T on transcript NM_178425.4 (MANE Select); coding-DNA position 2286, C replaced by T.
Protein change: p.Ile762=; no amino-acid change (isoleucine 762 retained).
Molecular consequence: synonymous variant.
Genome position (GRCh38, 1-based): chr7:18,793,416, C>T. VCF-style: chr7-18793416-C-T. GRCh37 (hg19) VCF-style: chr7-18833039-C-T.
Other names: c.2211C>T, p.Ile737= (NM_001321868.2); c.2154C>T, p.Ile718= (NM_001321877.2, NM_001321897.2); c.2277C>T, p.Ile759= (NM_058176.2, NM_178423.3).
Identifiers: ClinVar variation 402928 (VCV000402928.4), dbSNP rs1060499865, ClinGen allele CA16609738.

ClinVar aggregate classification (germline): Likely benign (1 of 4 stars; one submission).

Allele frequency attached by ClinVar (database versions not stated): gnomAD exomes below 0.00001.
gnomAD v4.1: 4 of 1,584,590 alleles (0.00025%); highest among the groups gnomAD compares: Middle Eastern, 0.017%; no homozygotes.

Submission:

Laboratory for Molecular Medicine, Mass General Brigham Personalized Medicine
Classification: Likely benign. Last evaluated: 2016-03-29. Review status: criteria provided, single submitter. Criteria: LMM Criteria. Collection method: clinical testing. Allele origin: germline.
Comment: Variant identified in a genome or exome case(s) and assessed due to predicted null impact of the variant or pathogenic assertions in the literature or databases. Disclaimer: This variant has not undergone full assessment. The following are preliminary notes: Silent variant.